The following is an entry in ClinVar:

ClinVar aggregate classification (germline): Likely pathogenic (1 of 4 stars; one submission).

Conditions:
Hereditary breast ovarian cancer syndrome. Also called: Breast and ovarian cancer; BRCA1- and BRCA2-Associated Hereditary Breast and Ovarian Cancer; Hereditary breast and ovarian cancer; Hereditary breast and ovarian cancer syndrome; Hereditary breast and/or ovarian cancer syndrome; Hereditary breast and ovarian cancer syndrome (HBOC). Identifiers: Orphanet 145, MedGen C0677776, MeSH D061325, MONDO:0003582. Disease mechanism: loss of function.

Submission:

Women's Health and Genetics/Laboratory Corporation of America, LabCorp
Classification: Likely pathogenic for Hereditary breast ovarian cancer syndrome. Last evaluated: 2022-03-14. Review status: criteria provided, single submitter. Criteria: LabCorp Variant Classification Summary - May 2015. Collection method: clinical testing. Allele origin: germline.
Comment: Variant summary: BRCA2 c.1712delC also known as c.1940delC (p.Ser571LeufsX2) results in a premature termination codon, predicted to cause a truncation of the encoded protein or absence of the protein due to nonsense mediated decay, which are commonly known mechanisms for disease. Truncations downstream of this position have been classified as pathogenic by our laboratory. The variant was absent in 251132 control chromosomes (gnomAD). To our knowledge, no occurrence of c.1712delC in individuals affected with Hereditary Breast And Ovarian Cancer Syndrome and no experimental evidence demonstrating its impact on protein function have been reported. No clinical diagnostic laboratories have submitted clinical-significance assessments for this variant to ClinVar after 2014. Based on the evidence outlined above, the variant was classified as likely pathogenic.

NM_000059.4(BRCA2):c.1712del (p.Ser571fs)

Gene: BRCA2 (BRCA2 DNA repair associated; plus strand). Cytogenetic location: 13q13.1.
Variant type: Deletion.
Coding change: c.1712del on transcript NM_000059.4 (MANE Select); coding-DNA position 1712, one base deleted (C; older notation c.1712delC).
Protein change: p.Ser571fs; shifts the reading frame from serine 571.
Molecular consequence: frameshift variant.
Genome position (GRCh38, 1-based): chr13:32,333,190, C deleted. VCF-style (leftmost placement, unchanged base first): chr13-32333189-TC-T. GRCh37 (hg19) VCF-style: chr13-32907326-TC-T.
Other names: short protein forms S571fs.
Identifiers: ClinVar variation 1677100 (VCV001677100.1), dbSNP rs2137474153, ClinGen allele CA2573149307.